The following is an entry in ClinVar:

ClinVar aggregate classification (germline): Pathogenic (1 of 4 stars; one submission).

Conditions:
Familial hypobetalipoproteinemia 1. Also called: APOB-Related Familial Hypobetalipoproteinemia; Hypobetalipoproteinemia, normotriglyceridemic; Acanthocytosis with hypobetalipoproteinemia. Identifiers: MedGen C4551990, MONDO:0014252, OMIM 615558.
Hypercholesterolemia, autosomal dominant, type B (FHCL2). Also called: Familial Hypercholesterolemia Type B; APOLIPOPROTEIN B-100, FAMILIAL DEFECTIVE; APOLIPOPROTEIN B-100, FAMILIAL LIGAND-DEFECTIVE; HYPERCHOLESTEROLEMIA, FAMILIAL, DUE TO LIGAND-DEFECTIVE APOLIPOPROTEIN B; Hyperlipoproteinemia Type IIb; Familial hypercholesterolemia 2. Identifiers: MedGen C1704417, MONDO:0007751, OMIM 144010.

Submission:

Labcorp Genetics (formerly Invitae), Labcorp
Classification: Pathogenic for Familial hypobetalipoproteinemia 1; Hypercholesterolemia, autosomal dominant, type B. Last evaluated: 2023-01-17. Review status: criteria provided, single submitter. Criteria: Invitae Variant Classification Sherloc (09022015). Collection method: clinical testing. Allele origin: germline.
Comment: This sequence change creates a premature translational stop signal (p.Lys3166Serfs*6) in the APOB gene. It is expected to result in an absent or disrupted protein product. Loss-of-function variants in APOB are known to be pathogenic (PMID: 20032471). This variant is not present in population databases (gnomAD no frequency). This variant has not been reported in the literature in individuals affected with APOB-related conditions. For these reasons, this variant has been classified as Pathogenic.

Literature cited by the submitters: PubMed 20032471.

NM_000384.3(APOB):c.9497del (p.Lys3166fs)

Gene: APOB (apolipoprotein B; minus strand). Cytogenetic location: 2p24.1.
Variant type: Deletion.
Coding change: c.9497del on transcript NM_000384.3 (MANE Select); coding-DNA position 9497, one base deleted (A; older notation c.9497delA).
Protein change: p.Lys3166fs; shifts the reading frame from lysine 3166.
Molecular consequence: frameshift variant.
Genome position (GRCh38, 1-based): chr2:21,007,371, T deleted on the plus strand (A on the coding strand, the reverse complement: APOB is on the minus strand); the first of 3 consecutive T bases (chr2:21,007,371-21,007,373); deleting any one gives the same sequence. VCF-style (leftmost placement, unchanged base first): chr2-21007370-CT-C. GRCh37 (hg19) VCF-style: chr2-21230242-CT-C.
Other names: short protein forms K3166fs.
Identifiers: ClinVar variation 2943324 (VCV002943324.3), dbSNP rs2465362877, ClinGen allele CA2740092724.